The following is an entry in ClinVar:

NM_001205254.2(OCLN):c.455C>T (p.Ala152Val)

Gene: OCLN (occludin; plus strand). Cytogenetic location: 5q13.2.
Variant type: single nucleotide variant.
Coding change: c.455C>T on transcript NM_001205254.2 (MANE Select); coding-DNA position 455, C replaced by T.
Protein change: p.Ala152Val; replaces alanine 152 with valine.
Molecular consequence: missense variant. On other transcripts: intron variant (1).
Genome position (GRCh38, 1-based): chr5:69,509,545, C>T. VCF-style: chr5-69509545-C-T. GRCh37 (hg19) VCF-style: chr5-68805372-C-T.
Other names: c.455C>T, p.Ala152Val (NM_001410743.1, NM_001438048.1, NM_001438604.1 and 1 more transcripts); c.-24-4403C>T (NM_001205255.2); short protein forms A152V.
Identifiers: ClinVar variation 430127 (VCV000430127.50), dbSNP rs142569075, ClinGen allele CA3294444.

ClinVar aggregate classification (germline): Benign/Likely benign. Review status: criteria provided, multiple submitters, no conflicts (2 of 4 stars). 5 submissions from 5 submitters: Benign (2); Likely benign (2). 1 of the submissions does not count toward it. Last evaluated 2026-01-02.

Conditions:
OCLN-related disorder. Also called: OCLN-related condition.

Allele frequency attached by ClinVar (database versions not stated): 1000 Genomes Project 30x 0.00031; 1000 Genomes Project 0.00040; gnomAD exomes 0.00079 and 0.00140; gnomAD 0.00090 and 0.00095; TOPMed 0.00100; ExAC 0.00114; ESP Exome Variant Server 0.00146.
gnomAD v4.1: 1,371 of 1,614,122 alleles (0.085%); highest among the groups gnomAD compares: Middle Eastern, 0.12%; 5 homozygotes.

Submissions (5):

Labcorp Genetics (formerly Invitae), Labcorp
Classification: Benign. Last evaluated: 2026-01-02. Review status: criteria provided, single submitter. Criteria: Invitae Variant Classification Sherloc (09022015). Collection method: clinical testing. Allele origin: germline.

CeGaT Center for Human Genetics Tuebingen
Classification: Likely benign. Last evaluated: 2022-10-01. Review status: criteria provided, single submitter. Criteria: CeGaT Center For Human Genetics Tuebingen Variant Classification Criteria Version 2. Collection method: clinical testing. Allele origin: germline. Affected: yes. Observed: 3 variant alleles.
Comment: OCLN: BP4

GeneDx
Classification: Benign. Last evaluated: 2020-01-27. Review status: criteria provided, single submitter. Criteria: GeneDx Variant Classification Process June 2021. Collection method: clinical testing. Allele origin: germline. Affected: yes.

Breakthrough Genomics
Classification: Likely benign. Review status: criteria provided, single submitter. Criteria: ACMG Guidelines, 2015. Collection method: not provided. Allele origin: germline. Inheritance: Autosomal recessive inheritance. Affected: yes.

PreventionGenetics, part of Exact Sciences
Classification: Benign for OCLN-related condition. Last evaluated: 2024-04-11. Review status: no assertion criteria provided. Collection method: clinical testing. Allele origin: germline. Not counted in ClinVar's aggregate classification.
Comment: This variant is classified as benign based on ACMG/AMP sequence variant interpretation guidelines (Richards et al. 2015 PMID: 25741868, with internal and published modifications).